The following is an entry in ClinVar:

NM_001194.4(HCN2):c.2087A>G (p.Lys696Arg)

Gene: HCN2 (hyperpolarization activated cyclic nucleotide gated potassium and sodium channel 2; plus strand). Cytogenetic location: 19p13.3.
Variant type: single nucleotide variant.
Coding change: c.2087A>G on transcript NM_001194.4 (MANE Select); coding-DNA position 2087, A replaced by G.
Protein change: p.Lys696Arg; replaces lysine 696 with arginine.
Molecular consequence: missense variant.
Genome position (GRCh38, 1-based): chr19:615,891, A>G. VCF-style: chr19-615891-A-G. GRCh37 (hg19) VCF-style: chr19-615891-A-G.
Other names: short protein forms K696R.
Identifiers: ClinVar variation 1694877 (VCV001694877.31), dbSNP rs1408213157, ClinGen allele CA402886412.

ClinVar aggregate classification (germline): Uncertain significance (1 of 4 stars; one submission).

Allele frequency attached by ClinVar (database versions not stated): TOPMed 0.00001; gnomAD 0.00002; gnomAD exomes 0.00004 and 0.00001.
gnomAD v4.1: 65 of 1,612,760 alleles (0.004%); highest among the groups gnomAD compares: Non-Finnish European, 0.0053%; no homozygotes.

Submission:

CeGaT Center for Human Genetics Tuebingen
Classification: Uncertain significance. Last evaluated: 2022-07-01. Review status: criteria provided, single submitter. Criteria: CeGaT Center For Human Genetics Tuebingen Variant Classification Criteria Version 2. Collection method: clinical testing. Allele origin: germline. Affected: yes. Observed: 1 variant allele.
Comment: HCN2: PP2